The following is an entry in ClinVar:

ClinVar aggregate classification (germline): Likely benign. Review status: criteria provided, multiple submitters, no conflicts (2 of 4 stars). 6 submissions from 6 submitters: Likely benign (6). Last evaluated 2025-09-23.

Conditions:
Charcot-Marie-Tooth disease. Also called: Charcot-Marie-Tooth Hereditary Neuropathy; Charcot-Marie-Tooth Neuropathy. Identifiers: Orphanet 166, MedGen C0007959, MONDO:0015626.
Inborn genetic diseases. Identifiers: MedGen C0950123, MeSH D030342.
Charcot-Marie-Tooth disease type 4. Also called: Charcot-Marie-Tooth disease, type IV; Charcot-Marie-Tooth, Type 4. Identifiers: Orphanet 64749, MedGen C4082197, MONDO:0018995.
FIG4-related disorder. Also called: FIG4-related disorders; FIG4-related condition.

Allele frequency attached by ClinVar (database versions not stated): TOPMed 0.00005; ESP Exome Variant Server 0.00008; 1000 Genomes Project 30x 0.00016; 1000 Genomes Project 0.00020.
gnomAD v4.1: 130 of 1,613,584 alleles (0.0081%); highest among the groups gnomAD compares: Middle Eastern, 0.033%; no homozygotes.

Submissions (6):

Labcorp Genetics (formerly Invitae), Labcorp
Classification: Likely benign for Charcot-Marie-Tooth disease type 4. Last evaluated: 2025-09-23. Review status: criteria provided, single submitter. Criteria: Invitae Variant Classification Sherloc (09022015). Collection method: clinical testing. Allele origin: germline.

Mayo Clinic Laboratories, Mayo Clinic
Classification: Likely benign. Last evaluated: 2025-09-23. Review status: criteria provided, single submitter. Criteria: ACMG Guidelines, 2015. Collection method: clinical testing. Allele origin: germline. Observed: 2 variant alleles.
Comment: BP4, BP7

PreventionGenetics, part of Exact Sciences
Classification: Likely benign for FIG4-related condition. Last evaluated: 2025-09-20. Review status: criteria provided, single submitter. Criteria: ACMG Guidelines, 2015. Collection method: clinical testing. Allele origin: germline.
Comment: This variant is classified as likely benign based on ACMG/AMP sequence variant interpretation guidelines (Richards et al. 2015 PMID: 25741868, with internal and published modifications).

Blueprint Genetics
Classification: Likely benign. Last evaluated: 2024-10-16. Review status: criteria provided, single submitter. Criteria: ACMG Guidelines, 2015. Collection method: clinical testing. Allele origin: germline.

Ambry Genetics
Classification: Likely benign for Inborn genetic diseases. Last evaluated: 2023-01-27. Review status: criteria provided, single submitter. Criteria: Ambry Variant Classification Scheme 2023. Collection method: clinical testing. Allele origin: germline.

Molecular Genetics Laboratory, London Health Sciences Centre
Classification: Likely benign for Charcot-Marie-Tooth disease. Review status: criteria provided, single submitter. Criteria: ACMG Guidelines, 2015. Collection method: clinical testing. Allele origin: germline. Affected: yes.

NM_014845.6(FIG4):c.2241G>A (p.Pro747=)

Gene: FIG4 (FIG4 phosphoinositide 5-phosphatase; plus strand). Cytogenetic location: 6q21.
Variant type: single nucleotide variant.
Coding change: c.2241G>A on transcript NM_014845.6 (MANE Select); coding-DNA position 2241, G replaced by A.
Protein change: p.Pro747=; no amino-acid change (proline 747 retained).
Molecular consequence: synonymous variant.
Genome position (GRCh38, 1-based): chr6:109,791,436, G>A. VCF-style: chr6-109791436-G-A. GRCh37 (hg19) VCF-style: chr6-110112639-G-A.
Other names: p.Pro747=.
Identifiers: ClinVar variation 698683 (VCV000698683.16), dbSNP rs148589135, ClinGen allele CA3956332.
Genomic context (GRCh38, chr6:109,791,436, plus strand): 5'-AAACAAAAGCAATAGAGAAGAAGCTGTATTACAGCGGAAAACGGCAGCCAGCGCCCCGCC[G>A]CCCCCCAGCGAGGAGGCTGTGTCCAGCAGCTCTGAGGATGACTCTGGGACTGATCGGGAA-3'
Protein context (NP_055660.1, residues 737-757): LQRKTAASAP[Pro747=]PPSEEAVSSS